The following is an entry in ClinVar:

ClinVar aggregate classification (germline): Uncertain significance. Review status: criteria provided, multiple submitters, no conflicts (2 of 4 stars). 3 submissions from 3 submitters: Uncertain significance (3). Last evaluated 2024-02-23.

Conditions:
PDSS2-related disorder. Also called: PDSS2-related condition.

Allele frequency attached by ClinVar (database versions not stated): gnomAD exomes 0.00001; ExAC 0.00002; gnomAD 0.00008 and 0.00009; TOPMed 0.00008; 1000 Genomes Project 30x 0.00016; 1000 Genomes Project 0.00020.
gnomAD v4.1: 22 of 1,613,754 alleles (0.0014%); highest among the groups gnomAD compares: African/African-American, 0.027%; no homozygotes.

Submissions (3):

Mayo Clinic Laboratories, Mayo Clinic
Classification: Uncertain significance. Last evaluated: 2024-02-23. Review status: criteria provided, single submitter. Criteria: ACMG Guidelines, 2015. Collection method: clinical testing. Allele origin: germline. Observed: 1 variant allele.
Comment: BP4

PreventionGenetics, part of Exact Sciences
Classification: Uncertain significance for PDSS2-related condition. Last evaluated: 2023-03-27. Review status: criteria provided, single submitter. Criteria: ACMG Guidelines, 2015. Collection method: clinical testing. Allele origin: germline.
Comment: The PDSS2 c.376A>G variant is predicted to result in the amino acid substitution p.Ser126Gly. To our knowledge, this variant has not been reported in the literature. This variant is reported in 0.032% of alleles in individuals of African descent in gnomAD. At this time, the clinical significance of this variant is uncertain due to the absence of conclusive functional and genetic evidence.

Labcorp Genetics (formerly Invitae), Labcorp
Classification: Uncertain significance. Last evaluated: 2022-11-01. Review status: criteria provided, single submitter. Criteria: Invitae Variant Classification Sherloc (09022015). Collection method: clinical testing. Allele origin: germline.
Comment: This sequence change replaces serine, which is neutral and polar, with glycine, which is neutral and non-polar, at codon 126 of the PDSS2 protein (p.Ser126Gly). This variant is present in population databases (rs200386735, gnomAD 0.04%). This variant has not been reported in the literature in individuals affected with PDSS2-related conditions. ClinVar contains an entry for this variant (Variation ID: 1393446). Advanced modeling of protein sequence and biophysical properties (such as structural, functional, and spatial information, amino acid conservation, physicochemical variation, residue mobility, and thermodynamic stability) performed at Invitae indicates that this missense variant is not expected to disrupt PDSS2 protein function. In summary, the available evidence is currently insufficient to determine the role of this variant in disease. Therefore, it has been classified as a Variant of Uncertain Significance.

NM_020381.4(PDSS2):c.376A>G (p.Ser126Gly)

Gene: PDSS2 (decaprenyl diphosphate synthase subunit 2; minus strand). Cytogenetic location: 6q21.
Variant type: single nucleotide variant.
Coding change: c.376A>G on transcript NM_020381.4 (MANE Select); coding-DNA position 376, A replaced by G.
Protein change: p.Ser126Gly; replaces serine 126 with glycine.
Molecular consequence: missense variant.
Genome position (GRCh38, 1-based): chr6:107,334,253, T>C on the plus strand (A>G on the coding strand, the complement: PDSS2 is on the minus strand). VCF-style: chr6-107334253-T-C. GRCh37 (hg19) VCF-style: chr6-107655457-T-C.
Other names: p.Ser126Gly; c.376A>G (NM_020381.3); short protein forms S126G.
Identifiers: ClinVar variation 1393446 (VCV001393446.4), dbSNP rs200386735, ClinGen allele CA3946138.
Genomic context (GRCh38, chr6:107,334,253, plus strand): 5'-CTTACCATGAGTAGATCCCACTGACCATGTCATAGTTCTGACATGAAGTGTTCACGCTGC[T>C]GGGCCCAGCTGCTTTAGAGATAAGGAGCACCACCAAGCCCCTCAACTGGAGGCTATTCCA-3'
Protein context (NP_065114.3, residues 116-136): VLLISKAAGP[Ser126Gly]SVNTSCQNYD